The following is an entry in ClinVar:

ClinVar aggregate classification (germline): Uncertain significance (1 of 4 stars; one submission).

Allele frequency attached by ClinVar (database versions not stated): gnomAD exomes below 0.00001.
gnomAD v4.1: 2 of 1,576,918 alleles (0.00013%); highest among the groups gnomAD compares: Non-Finnish European, 0.00017%; no homozygotes.

Submission:

Ambry Genetics
Classification: Uncertain significance. Last evaluated: 2023-08-07. Review status: criteria provided, single submitter. Criteria: Ambry Variant Classification Scheme 2023. Collection method: clinical testing. Allele origin: germline.
Comment: The p.R2202T variant (also known as c.6605G>C), located in coding exon 22 of the POLQ gene, results from a G to C substitution at nucleotide position 6605. The arginine at codon 2202 is replaced by threonine, an amino acid with similar properties. This amino acid position is conserved. In addition, the in silico prediction for this alteration is inconclusive. Since supporting evidence is limited at this time, the clinical significance of this alteration remains unclear.

NM_199420.4(POLQ):c.6605G>C (p.Arg2202Thr)

Gene: POLQ (DNA polymerase theta; minus strand). Cytogenetic location: 3q13.33.
Variant type: single nucleotide variant.
Coding change: c.6605G>C on transcript NM_199420.4 (MANE Select); coding-DNA position 6605, G replaced by C.
Protein change: p.Arg2202Thr; replaces arginine 2202 with threonine.
Molecular consequence: missense variant.
Genome position (GRCh38, 1-based): chr3:121,472,103, C>G on the plus strand (G>C on the coding strand, the complement: POLQ is on the minus strand). VCF-style: chr3-121472103-C-G. GRCh37 (hg19) VCF-style: chr3-121190950-C-G.
Other names: short protein forms R2202T.
Identifiers: ClinVar variation 2625858 (VCV002625858.2), dbSNP rs2546773510, ClinGen allele CA354085450.